The following is an entry in ClinVar:

NM_007194.4(CHEK2):c.498T>A (p.Asn166Lys)

Gene: CHEK2 (checkpoint kinase 2; minus strand). Cytogenetic location: 22q12.1.
Variant type: single nucleotide variant.
Coding change: c.498T>A on transcript NM_007194.4 (MANE Select); coding-DNA position 498, T replaced by A.
Protein change: p.Asn166Lys; replaces asparagine 166 with lysine.
Molecular consequence: missense variant. On other transcripts: 5 prime UTR variant (2), intron variant (1).
Genome position (GRCh38, 1-based): chr22:28,725,071, A>T on the plus strand (T>A on the coding strand, the complement: CHEK2 is on the minus strand). VCF-style: chr22-28725071-A-T. GRCh37 (hg19) VCF-style: chr22-29121059-A-T.
Other names: c.627T>A, p.Asn209Lys (NM_001005735.3, NM_001438294.1); c.-280T>A (NM_001257387.3); c.-166T>A (NM_001437942.1); c.591T>A, p.Asn197Lys (NM_001438293.1, NM_001438295.1); c.498T>A, p.Asn166Lys (NM_145862.3); c.445-148T>A (NM_001349956.3); short protein forms N166K, N209K, N197K.
Identifiers: ClinVar variation 1061994 (VCV001061994.10), dbSNP rs759868962, ClinGen allele CA411107468.

ClinVar aggregate classification (germline): Uncertain significance (1 of 4 stars; one submission).

Conditions:
Familial cancer of breast. Also called: Hereditary breast cancer; BREAST CANCER, FAMILIAL; hereditary breast carcinoma. Identifiers: Orphanet 227535, MedGen C0346153, MONDO:0016419, OMIM 114480. Disease mechanism: loss of function.

Submission:

Labcorp Genetics (formerly Invitae), Labcorp
Classification: Uncertain significance for Familial cancer of breast. Last evaluated: 2020-10-14. Review status: criteria provided, single submitter. Criteria: Invitae Variant Classification Sherloc (09022015). Collection method: clinical testing. Allele origin: germline.
Comment: In summary, the available evidence is currently insufficient to determine the role of this variant in disease. Therefore, it has been classified as a Variant of Uncertain Significance. Algorithms developed to predict the effect of missense changes on protein structure and function (SIFT, PolyPhen-2, Align-GVGD) all suggest that this variant is likely to be disruptive, but these predictions have not been confirmed by published functional studies and their clinical significance is uncertain. This variant has not been reported in the literature in individuals with CHEK2-related conditions. This variant is not present in population databases (ExAC no frequency). This sequence change replaces asparagine with lysine at codon 166 of the CHEK2 protein (p.Asn166Lys). The asparagine residue is highly conserved and there is a moderate physicochemical difference between asparagine and lysine.